The following is an entry in ClinVar:

NM_000037.4(ANK1):c.4129del (p.Arg1377fs)

Gene: ANK1 (ankyrin 1; minus strand). Cytogenetic location: 8p11.21.
Variant type: Deletion.
Coding change: c.4129del on transcript NM_000037.4 (MANE Select); coding-DNA position 4129, one base deleted (A; older notation c.4129delA).
Protein change: p.Arg1377fs; shifts the reading frame from arginine 1377.
Molecular consequence: frameshift variant.
Genome position (GRCh38, 1-based): chr8:41,688,565, T deleted on the plus strand (A on the coding strand, the reverse complement: ANK1 is on the minus strand); the first of 2 consecutive T bases (chr8:41,688,565-41,688,566); deleting either gives the same sequence. VCF-style (leftmost placement, unchanged base first): chr8-41688564-CT-C. GRCh37 (hg19) VCF-style: chr8-41546082-CT-C.
Other names: p.Arg1377Glyfs*29; c.4252del, p.Arg1418fs (NM_001142446.2); c.4129del, p.Arg1377fs (NM_020475.3, NM_020476.3, NM_020477.3); short protein forms R1418fs, R1377fs.
Identifiers: ClinVar variation 2697357 (VCV002697357.4), dbSNP rs2486740088, ClinGen allele CA2697549871.

ClinVar aggregate classification (germline): Pathogenic/Likely pathogenic. Review status: criteria provided, multiple submitters, no conflicts (2 of 4 stars). 2 submissions from 2 submitters: Pathogenic (1); Likely pathogenic (1). Last evaluated 2025-07-29.

Submissions (2):

Mayo Clinic Laboratories, Mayo Clinic
Classification: Likely pathogenic. Last evaluated: 2025-07-29. Review status: criteria provided, single submitter. Criteria: ACMG Guidelines, 2015. Collection method: clinical testing. Allele origin: germline. Observed: 1 variant allele.
Comment: PM2_supporting, PVS1

Labcorp Genetics (formerly Invitae), Labcorp
Classification: Pathogenic. Last evaluated: 2023-11-19. Review status: criteria provided, single submitter. Criteria: Invitae Variant Classification Sherloc (09022015). Collection method: clinical testing. Allele origin: germline.
Comment: This sequence change creates a premature translational stop signal (p.Arg1377Glyfs*29) in the ANK1 gene. It is expected to result in an absent or disrupted protein product. Loss-of-function variants in ANK1 are known to be pathogenic (PMID: 8640229). This variant is not present in population databases (gnomAD no frequency). This variant has not been reported in the literature in individuals affected with ANK1-related conditions. For these reasons, this variant has been classified as Pathogenic.

Literature cited by the submitters: PubMed 8640229 (cited by Labcorp Genetics (formerly Invitae), Labcorp).